The following is an entry in ClinVar:

ClinVar aggregate classification (germline): Pathogenic (1 of 4 stars; one submission).

Conditions:
Microcephaly 1, primary, autosomal recessive (MCPH1). Also called: PREMATURE CHROMOSOME CONDENSATION SYNDROME; PCC SYNDROME; PREMATURE CHROMOSOME CONDENSATION WITH MICROCEPHALY AND MENTAL RETARDATION. Identifiers: Orphanet 2512, MedGen C1855081, MONDO:0009617, OMIM 251200.

gnomAD v4.1: 2 of 1,613,786 alleles (0.00012%); highest among the groups gnomAD compares: African/African-American, 0.0027%; no homozygotes.

Submission:

Myriad Genetics, Inc.
Classification: Pathogenic for Microcephaly 1, primary, autosomal recessive. Last evaluated: 2025-01-29. Review status: criteria provided, single submitter. Criteria: Myriad Autosomal Dominant, Autosomal Recessive and X-Linked Classification Criteria (2023). Collection method: clinical testing. Allele origin: unknown.
Comment: NM_024596.3(MCPH1):c.133A>T(K45*) is expected to be pathogenic in the context of primary microcephaly, MCPH1-related. This variant is predicted to lead to an abnormal or absent protein product due to the creation of a premature termination codon in MCPH1, a gene where loss-of-function variants are known to be pathogenic. Please note: this variant was assessed in the context of healthy population screening.

NM_024596.5(MCPH1):c.133A>T (p.Lys45Ter)

Gene: MCPH1 (microcephalin 1; plus strand). Cytogenetic location: 8p23.1.
Variant type: single nucleotide variant.
Coding change: c.133A>T on transcript NM_024596.5 (MANE Select); coding-DNA position 133, A replaced by T.
Protein change: p.Lys45Ter; replaces lysine 45 with a stop codon.
Molecular consequence: nonsense. On other transcripts: non-coding transcript variant (1).
Genome position (GRCh38, 1-based): chr8:6,414,783, A>T. VCF-style: chr8-6414783-A-T. GRCh37 (hg19) VCF-style: chr8-6272304-A-T.
Other names: c.133A>T, p.Lys45Ter (NM_001172574.2, NM_001172575.2, NM_001322042.2 and 4 more transcripts); c.127A>T, p.Lys43Ter (NM_001322043.2); c.31A>T, p.Lys11Ter (NM_001322045.2); short protein forms K11*, K43*, K45*.
Identifiers: ClinVar variation 5014032 (VCV005014032.1).